The following is an entry in ClinVar:

NM_000501.4(ELN):c.1874C>A (p.Ala625Asp)

Gene: ELN (elastin; plus strand). Cytogenetic location: 7q11.23.
Variant type: single nucleotide variant.
Coding change: c.1874C>A on transcript NM_000501.4 (MANE Select); coding-DNA position 1874, C replaced by A.
Protein change: p.Ala625Asp; replaces alanine 625 with aspartic acid.
Molecular consequence: missense variant.
Genome position (GRCh38, 1-based): chr7:74,063,325, C>A. VCF-style: chr7-74063325-C-A. GRCh37 (hg19) VCF-style: chr7-73477655-C-A.
Other names: c.1787C>A, p.Ala596Asp (NM_001081752.3); c.1832C>A, p.Ala611Asp (NM_001081753.3); c.1889C>A, p.Ala630Asp (NM_001081754.3); c.1817C>A, p.Ala606Asp (NM_001081755.3); c.1874C>A, p.Ala625Asp (NM_001278912.2); c.1631C>A, p.Ala544Asp (NM_001278913.2); c.1802C>A, p.Ala601Asp (NM_001278914.2); c.1892C>A, p.Ala631Asp (NM_001278915.2); and 4 more; short protein forms A606D, A630D, A687D, A544D, A596D, A601D, A611D, A631D.
Identifiers: ClinVar variation 3708959 (VCV003708959.2).

ClinVar aggregate classification (germline): Uncertain significance (1 of 4 stars; one submission).

Conditions:
Supravalvar aortic stenosis (SVAS). Also called: Supravalvar aortic stenosis, Eisenberg type. Identifiers: Orphanet 3193, MedGen C0003499, MONDO:0008504, OMIM 185500, HP:0004381.

gnomAD v4.1: 1 of 1,550,730 alleles (0.000064%); highest among the groups gnomAD compares: Admixed American, 0.002%; no homozygotes.

Submission:

Labcorp Genetics (formerly Invitae), Labcorp
Classification: Uncertain significance for Supravalvar aortic stenosis. Last evaluated: 2024-09-30. Review status: criteria provided, single submitter. Criteria: Invitae Variant Classification Sherloc (09022015). Collection method: clinical testing. Allele origin: germline.
Comment: This sequence change replaces alanine, which is neutral and non-polar, with aspartic acid, which is acidic and polar, at codon 687 of the ELN protein (p.Ala687Asp). This variant is present in population databases (rs782084230, gnomAD 0.008%). This variant has not been reported in the literature in individuals affected with ELN-related conditions. Invitae Evidence Modeling of protein sequence and biophysical properties (such as structural, functional, and spatial information, amino acid conservation, physicochemical variation, residue mobility, and thermodynamic stability) indicates that this missense variant is not expected to disrupt ELN protein function with a negative predictive value of 80%. In summary, the available evidence is currently insufficient to determine the role of this variant in disease. Therefore, it has been classified as a Variant of Uncertain Significance.